The following is an entry in ClinVar:

NM_017654.4(SAMD9):c.2368G>A (p.Glu790Lys)

Gene: SAMD9 (sterile alpha motif domain containing 9; minus strand). Cytogenetic location: 7q21.2.
Variant type: single nucleotide variant.
Coding change: c.2368G>A on transcript NM_017654.4 (MANE Select); coding-DNA position 2368, G replaced by A.
Protein change: p.Glu790Lys; replaces glutamic acid 790 with lysine.
Molecular consequence: missense variant.
Genome position (GRCh38, 1-based): chr7:93,103,730, C>T on the plus strand (G>A on the coding strand, the complement: SAMD9 is on the minus strand). VCF-style: chr7-93103730-C-T. GRCh37 (hg19) VCF-style: chr7-92733043-C-T.
Other names: c.2368G>A, p.Glu790Lys (NM_001193307.2); short protein forms E790K.
Identifiers: ClinVar variation 4863764 (VCV004863764.1).
Genomic context (GRCh38, chr7:93,103,730, plus strand): 5'-GAAGATAGACATTATCTTGTTCTTCAAAATCATCAACAAGGAGTAGTACAGGTACGTATT[C>T]CTGACGGTTCATTGCCCCATAGGTGATTAAACTGGTTACCTGTTCTCCAATTTCAGAAAA-3'
Protein context (NP_060124.2, residues 780-800): LITYGAMNRQ[Glu790Lys]YVPVLLLVDD

ClinVar aggregate classification (germline): Uncertain significance (1 of 4 stars; one submission).

Conditions:
Inborn genetic diseases. Identifiers: MedGen C0950123, MeSH D030342.

Submission:

Ambry Genetics
Classification: Uncertain significance for Inborn genetic diseases. Last evaluated: 2026-03-22. Review status: criteria provided, single submitter. Criteria: Ambry Variant Classification Scheme 2023. Collection method: clinical testing. Allele origin: germline.
Comment: The p.E790K variant (also known as c.2368G>A), located in coding exon 1 of the SAMD9 gene, results from a G to A substitution at nucleotide position 2368. The glutamic acid at codon 790 is replaced by lysine, an amino acid with similar properties. This amino acid position is conserved. In addition, this alteration is predicted to be tolerated by in silico analysis. Based on the available evidence, the clinical significance of this variant remains unclear.